The following is an entry in ClinVar:

ClinVar aggregate classification (germline): Uncertain significance (1 of 4 stars; one submission).

Submission:

Labcorp Genetics (formerly Invitae), Labcorp
Classification: Uncertain significance. Last evaluated: 2024-04-03. Review status: criteria provided, single submitter. Criteria: Invitae Variant Classification Sherloc (09022015). Collection method: clinical testing. Allele origin: germline.
Comment: This sequence change replaces threonine, which is neutral and polar, with isoleucine, which is neutral and non-polar, at codon 861 of the ADNP protein (p.Thr861Ile). This variant is not present in population databases (gnomAD no frequency). This variant has not been reported in the literature in individuals affected with ADNP-related conditions. An algorithm developed to predict the effect of missense changes on protein structure and function (PolyPhen-2) suggests that this variant is likely to be tolerated. In summary, the available evidence is currently insufficient to determine the role of this variant in disease. Therefore, it has been classified as a Variant of Uncertain Significance.

NM_001282531.3(ADNP):c.2582C>T (p.Thr861Ile)

Gene: ADNP (activity dependent neuroprotector homeobox; minus strand). Cytogenetic location: 20q13.13.
Variant type: single nucleotide variant.
Coding change: c.2582C>T on transcript NM_001282531.3 (MANE Select); coding-DNA position 2582, C replaced by T.
Protein change: p.Thr861Ile; replaces threonine 861 with isoleucine.
Molecular consequence: missense variant.
Genome position (GRCh38, 1-based): chr20:50,892,132, G>A on the plus strand (C>T on the coding strand, the complement: ADNP is on the minus strand). VCF-style: chr20-50892132-G-A. GRCh37 (hg19) VCF-style: chr20-49508669-G-A.
Other names: c.2582C>T, p.Thr861Ile (NM_001282532.2, NM_001347511.2, NM_015339.5 and 1 more transcripts); short protein forms T861I.
Identifiers: ClinVar variation 3671267 (VCV003671267.2).